The following is an entry in ClinVar:

NM_001377.3(DYNC2H1):c.367-136G>C

Gene: DYNC2H1 (dynein cytoplasmic 2 heavy chain 1; plus strand). Cytogenetic location: 11q22.3.
Variant type: single nucleotide variant.
Coding change: c.367-136G>C on transcript NM_001377.3 (MANE Select); 136 bases into the intron before coding-DNA position 367, G replaced by C.
Molecular consequence: intron variant.
Genome position (GRCh38, 1-based): chr11:103,113,967, G>C. VCF-style: chr11-103113967-G-C. GRCh37 (hg19) VCF-style: chr11-102984696-G-C.
Other names: c.367-136G>C (NM_001080463.2).
Identifiers: ClinVar variation 672990 (VCV000672990.2), dbSNP rs12270130, ClinGen allele CA227398408.

ClinVar aggregate classification (germline): Benign. Review status: criteria provided, multiple submitters, no conflicts (2 of 4 stars). 2 submissions from 2 submitters: Benign (2). Last evaluated 2018-06-14.

Allele frequency attached by ClinVar (database versions not stated): gnomAD 0.03533 and 0.03793; TOPMed 0.04020; 1000 Genomes Project 0.04113; 1000 Genomes Project 30x 0.04560.

Submissions (2):

GeneDx
Classification: Benign. Last evaluated: 2018-06-14. Review status: criteria provided, single submitter. Criteria: GeneDx Variant Classification (06012015). Collection method: clinical testing. Allele origin: germline. Affected: yes.
Comment: This variant is considered likely benign or benign based on one or more of the following criteria: it is a conservative change, it occurs at a poorly conserved position in the protein, it is predicted to be benign by multiple in silico algorithms, and/or has population frequency not consistent with disease.

Breakthrough Genomics
Classification: Benign. Review status: criteria provided, single submitter. Criteria: ACMG Guidelines, 2015. Collection method: not provided. Allele origin: germline. Inheritance: Autosomal recessive inheritance. Affected: yes.